The following is an entry in ClinVar:

ClinVar aggregate classification (germline): Uncertain significance. Review status: criteria provided, multiple submitters, no conflicts (2 of 4 stars). 2 submissions from 2 submitters: Uncertain significance (2). Last evaluated 2025-03-31.

Conditions:
Primary ciliary dyskinesia. Also called: Ciliary dyskinesia. Identifiers: Orphanet 244, MedGen C0008780, MONDO:0016575, HP:0012265.

Allele frequency attached by ClinVar (database versions not stated): ExAC 0.00004; gnomAD exomes 0.00004 and 0.00027; gnomAD 0.00007 and 0.00008; TOPMed 0.00009; ESP Exome Variant Server 0.00033.
gnomAD v4.1: 390 of 1,614,040 alleles (0.024%); highest among the groups gnomAD compares: Non-Finnish European, 0.032%; 1 homozygote.

Submissions (2):

Ambry Genetics
Classification: Uncertain significance for Primary ciliary dyskinesia. Last evaluated: 2025-03-31. Review status: criteria provided, single submitter. Criteria: Ambry Variant Classification Scheme 2023. Collection method: clinical testing. Allele origin: germline.

Labcorp Genetics (formerly Invitae), Labcorp
Classification: Uncertain significance for Primary ciliary dyskinesia. Last evaluated: 2022-07-05. Review status: criteria provided, single submitter. Criteria: Invitae Variant Classification Sherloc (09022015). Collection method: clinical testing. Allele origin: germline.
Comment: In summary, the available evidence is currently insufficient to determine the role of this variant in disease. Therefore, it has been classified as a Variant of Uncertain Significance. Algorithms developed to predict the effect of missense changes on protein structure and function (SIFT, PolyPhen-2, Align-GVGD) all suggest that this variant is likely to be tolerated. ClinVar contains an entry for this variant (Variation ID: 330221). This variant has not been reported in the literature in individuals affected with DNAAF3-related conditions. This variant is present in population databases (rs201101258, gnomAD 0.03%). This sequence change replaces glycine, which is neutral and non-polar, with aspartic acid, which is acidic and polar, at codon 17 of the DNAAF3 protein (p.Gly17Asp).

NM_001256715.2(DNAAF3):c.-81G>A

Genes: DNAAF3-AS1 (DNAAF3 antisense RNA 1; plus strand), DNAAF3 (dynein axonemal assembly factor 3; minus strand). Cytogenetic location: 19q13.42.
Variant type: single nucleotide variant.
Coding change: c.-81G>A on transcript NM_001256715.2 (MANE Select); 81 bases upstream of the start codon, G replaced by A.
Molecular consequence: 5 prime UTR variant. On other transcripts: missense variant (2).
Genome position (GRCh38, 1-based): chr19:55,166,599, C>T on the plus strand (G>A on the coding strand, the complement: DNAAF3 is on the minus strand). VCF-style: chr19-55166599-C-T. GRCh37 (hg19) VCF-style: chr19-55677967-C-T.
Other names: c.50G>A, p.Gly17Asp (NM_001256714.1, NM_178837.4); c.-330G>A (NM_001256716.2); short protein forms G17D.
Identifiers: ClinVar variation 330221 (VCV000330221.13), dbSNP rs201101258, ClinGen allele CA9668322.